The following is an entry in ClinVar:

NM_002691.4(POLD1):c.653G>C (p.Arg218Pro)

Gene: POLD1 (DNA polymerase delta 1, catalytic subunit; plus strand). Cytogenetic location: 19q13.33.
Variant type: single nucleotide variant.
Coding change: c.653G>C on transcript NM_002691.4 (MANE Select); coding-DNA position 653, G replaced by C.
Protein change: p.Arg218Pro; replaces arginine 218 with proline.
Molecular consequence: missense variant. On other transcripts: non-coding transcript variant (1).
Genome position (GRCh38, 1-based): chr19:50,402,268, G>C. VCF-style: chr19-50402268-G-C. GRCh37 (hg19) VCF-style: chr19-50905525-G-C.
Other names: c.653G>C, p.Arg218Pro (NM_001256849.1, NM_001308632.1); short protein forms R218P.
Identifiers: ClinVar variation 1023473 (VCV001023473.8), dbSNP rs150010804, ClinGen allele CA406974147.

ClinVar aggregate classification (germline): Uncertain significance (1 of 4 stars; one submission).

Conditions:
POLD1-related polyposis and colorectal cancer syndrome (CRCS10). Also called: Colorectal cancer 10; COLORECTAL CANCER, SUSCEPTIBILITY TO, ON CHROMOSOME 19q; Colorectal cancer, susceptibility to, 10. Identifiers: Orphanet 220460, MedGen C2675481, MONDO:0012953, OMIM 612591.

Submission:

Labcorp Genetics (formerly Invitae), Labcorp
Classification: Uncertain significance for POLD1-related polyposis and colorectal cancer syndrome. Last evaluated: 2024-10-31. Review status: criteria provided, single submitter. Criteria: Invitae Variant Classification Sherloc (09022015). Collection method: clinical testing. Allele origin: germline.
Comment: This sequence change replaces arginine, which is basic and polar, with proline, which is neutral and non-polar, at codon 218 of the POLD1 protein (p.Arg218Pro). This variant is not present in population databases (gnomAD no frequency). This variant has not been reported in the literature in individuals affected with POLD1-related conditions. ClinVar contains an entry for this variant (Variation ID: 1023473). Invitae Evidence Modeling of protein sequence and biophysical properties (such as structural, functional, and spatial information, amino acid conservation, physicochemical variation, residue mobility, and thermodynamic stability) indicates that this missense variant is not expected to disrupt POLD1 protein function with a negative predictive value of 80%. In summary, the available evidence is currently insufficient to determine the role of this variant in disease. Therefore, it has been classified as a Variant of Uncertain Significance.